The following is an entry in ClinVar:

ClinVar aggregate classification (germline): Pathogenic/Likely pathogenic. Review status: criteria provided, multiple submitters, no conflicts (2 of 4 stars). 2 submissions from 2 submitters: Pathogenic (1); Likely pathogenic (1). Last evaluated 2024-03-27.

Conditions:
Retinitis pigmentosa 12 (RP12). Also called: RP WITH OR WITHOUT PRESERVED PARAARTERIOLE RETINAL PIGMENT EPITHELIUM; RETINITIS PIGMENTOSA WITH OR WITHOUT PARAARTERIOLAR PRESERVATION OF RETINAL PIGMENT EPITHELIUM; RP WITH OR WITHOUT PPRPE. Identifiers: Orphanet 791, MedGen C1838647, MONDO:0010818, OMIM 600105.
Leber congenital amaurosis 8 (LCA8). Identifiers: Orphanet 65, MedGen C3151202, MONDO:0013453, OMIM 613835.

Allele frequency attached by ClinVar (database versions not stated): TOPMed below 0.00001; gnomAD 0.00001.
gnomAD v4.1: 1 of 1,614,084 alleles (0.000062%); highest among the groups gnomAD compares: Non-Finnish European, 0.000085%; no homozygotes.

Submissions (2):

Baylor Genetics
Classification: Likely pathogenic for Leber congenital amaurosis 8. Last evaluated: 2024-03-27. Review status: criteria provided, single submitter. Criteria: ACMG Guidelines, 2015. Collection method: clinical testing. Allele origin: unknown.

Labcorp Genetics (formerly Invitae), Labcorp
Classification: Pathogenic for Leber congenital amaurosis 8; Retinitis pigmentosa 12. Last evaluated: 2022-12-23. Review status: criteria provided, single submitter. Criteria: Invitae Variant Classification Sherloc (09022015). Collection method: clinical testing. Allele origin: germline.
Comment: For these reasons, this variant has been classified as Pathogenic. This variant has not been reported in the literature in individuals affected with CRB1-related conditions. The frequency data for this variant in the population databases is considered unreliable, as metrics indicate poor data quality at this position in the gnomAD database. This sequence change creates a premature translational stop signal (p.Tyr541*) in the CRB1 gene. It is expected to result in an absent or disrupted protein product. Loss-of-function variants in CRB1 are known to be pathogenic (PMID: 10508521, 22065545, 23379534, 25412400, 26957898, 28041643, 29391521).

Literature cited by the submitters: PubMed 10508521 (cited by Labcorp Genetics (formerly Invitae), Labcorp); PubMed 22065545 (cited by Labcorp Genetics (formerly Invitae), Labcorp); PubMed 23379534 (cited by Labcorp Genetics (formerly Invitae), Labcorp); PubMed 25412400 (cited by Labcorp Genetics (formerly Invitae), Labcorp); PubMed 26957898 (cited by Labcorp Genetics (formerly Invitae), Labcorp); PubMed 28041643 (cited by Labcorp Genetics (formerly Invitae), Labcorp); PubMed 29391521 (cited by Labcorp Genetics (formerly Invitae), Labcorp).

NM_201253.3(CRB1):c.1623C>A (p.Tyr541Ter)

Gene: CRB1 (crumbs cell polarity complex component 1; plus strand). Cytogenetic location: 1q31.3.
Variant type: single nucleotide variant.
Coding change: c.1623C>A on transcript NM_201253.3 (MANE Select); coding-DNA position 1623, C replaced by A.
Protein change: p.Tyr541Ter; replaces tyrosine 541 with a stop codon.
Molecular consequence: nonsense. On other transcripts: non-coding transcript variant (2).
Genome position (GRCh38, 1-based): chr1:197,421,451, C>A. VCF-style: chr1-197421451-C-A. GRCh37 (hg19) VCF-style: chr1-197390581-C-A.
Other names: c.1287C>A, p.Tyr429Ter (NM_001193640.2); c.1416C>A, p.Tyr472Ter (NM_001257965.2); c.1623C>A, p.Tyr541Ter (NM_001257966.2); short protein forms Y429*, Y472*, Y541*.
Identifiers: ClinVar variation 2928516 (VCV002928516.4), dbSNP rs1256037063, ClinGen allele CA344031741.